The following is an entry in ClinVar:

NM_013275.6(ANKRD11):c.6786C>A (p.Gly2262=)

Gene: ANKRD11 (ankyrin repeat domain 11; minus strand). Cytogenetic location: 16q24.3.
Variant type: single nucleotide variant.
Coding change: c.6786C>A on transcript NM_013275.6 (MANE Select); coding-DNA position 6786, C replaced by A.
Protein change: p.Gly2262=; no amino-acid change (glycine 2262 retained).
Molecular consequence: synonymous variant.
Genome position (GRCh38, 1-based): chr16:89,279,756, G>T on the plus strand (C>A on the coding strand, the complement: ANKRD11 is on the minus strand). VCF-style: chr16-89279756-G-T. GRCh37 (hg19) VCF-style: chr16-89346164-G-T.
Other names: c.6786C>A, p.Gly2262= (NM_001256182.2, NM_001256183.2).
Identifiers: ClinVar variation 1701299 (VCV001701299.31), dbSNP rs768698196, ClinGen allele CA497372884.

ClinVar aggregate classification (germline): Likely benign (1 of 4 stars; one submission).

Submission:

CeGaT Center for Human Genetics Tuebingen
Classification: Likely benign. Last evaluated: 2022-07-01. Review status: criteria provided, single submitter. Criteria: CeGaT Center For Human Genetics Tuebingen Variant Classification Criteria Version 2. Collection method: clinical testing. Allele origin: germline. Affected: yes. Observed: 1 variant allele.
Comment: ANKRD11: PM2:Supporting, BP4, BP7